The following is an entry in ClinVar:

ClinVar aggregate classification (germline): Uncertain significance (1 of 4 stars; one submission).

Conditions:
Ullrich congenital muscular dystrophy 2 (UCMD2). Identifiers: Orphanet 75840, MedGen C4225314, MONDO:0014654, OMIM 616470.
Bethlem myopathy 2 (BTHLM2). Identifiers: Orphanet 536516, Orphanet 610, MedGen C4225313, MONDO:0034022, OMIM 616471.

Allele frequency attached by ClinVar (database versions not stated): gnomAD exomes below 0.00001; ExAC 0.00001.

Submission:

Labcorp Genetics (formerly Invitae), Labcorp
Classification: Uncertain significance for Bethlem myopathy 2; Ullrich congenital muscular dystrophy 2. Last evaluated: 2020-02-26. Review status: criteria provided, single submitter. Criteria: Invitae Variant Classification Sherloc (09022015). Collection method: clinical testing. Allele origin: germline.
Comment: This sequence change replaces alanine with valine at codon 300 of the COL12A1 protein (p.Ala300Val). The alanine residue is highly conserved and there is a small physicochemical difference between alanine and valine. This variant is present in population databases (rs763589676, ExAC 0.001%). This variant has not been reported in the literature in individuals with COL12A1-related conditions. Algorithms developed to predict the effect of missense changes on protein structure and function are either unavailable or do not agree on the potential impact of this missense change (SIFT: "Deleterious"; PolyPhen-2: "Probably Damaging"; Align-GVGD: "Class C0"). In summary, the available evidence is currently insufficient to determine the role of this variant in disease. Therefore, it has been classified as a Variant of Uncertain Significance.

NM_004370.6(COL12A1):c.899C>T (p.Ala300Val)

Gene: COL12A1 (collagen type XII alpha 1 chain; minus strand). Cytogenetic location: 6q13.
Variant type: single nucleotide variant.
Coding change: c.899C>T on transcript NM_004370.6 (MANE Select); coding-DNA position 899, C replaced by T.
Protein change: p.Ala300Val; replaces alanine 300 with valine.
Molecular consequence: missense variant. On other transcripts: intron variant (1).
Genome position (GRCh38, 1-based): chr6:75,188,460, G>A on the plus strand (C>T on the coding strand, the complement: COL12A1 is on the minus strand). VCF-style: chr6-75188460-G-A. GRCh37 (hg19) VCF-style: chr6-75898176-G-A.
Other names: c.73+14260C>T (NM_080645.3); short protein forms A300V.
Identifiers: ClinVar variation 1052372 (VCV001052372.9), dbSNP rs763589676, ClinGen allele CA3894316.